The following is an entry in ClinVar:

NM_001348768.2(HECW2):c.2278G>A (p.Ala760Thr)

Gene: HECW2 (HECT, C2 and WW domain containing E3 ubiquitin protein ligase 2; minus strand). Cytogenetic location: 2q32.3.
Variant type: single nucleotide variant.
Coding change: c.2278G>A on transcript NM_001348768.2 (MANE Select); coding-DNA position 2278, G replaced by A.
Protein change: p.Ala760Thr; replaces alanine 760 with threonine.
Molecular consequence: missense variant.
Genome position (GRCh38, 1-based): chr2:196,318,612, C>T on the plus strand (G>A on the coding strand, the complement: HECW2 is on the minus strand). VCF-style: chr2-196318612-C-T. GRCh37 (hg19) VCF-style: chr2-197183336-C-T.
Other names: c.1210G>A, p.Ala404Thr (NM_001304840.3); c.2278G>A, p.Ala760Thr (NM_020760.4); short protein forms A404T, A760T.
Identifiers: ClinVar variation 2574546 (VCV002574546.1), dbSNP rs1481288680, ClinGen allele CA349963273.
Genomic context (GRCh38, chr2:196,318,612, plus strand): 5'-CTCCAGTAGCGCCCTCCTCCTGGGCAGTTGCCCCTTCACAGGTGCCTTGGGCCTCCCCAG[C>T]ACTGCCTTCTTCTTGCGGTGGGCTCTCGGCAGCAGCTGCAGCTCCCTCCAGGCTCCCCCT-3'
Protein context (NP_001335697.1, residues 750-770): AESPPQEEGS[Ala760Thr]GEAQGTCEGA

ClinVar aggregate classification (germline): Uncertain significance (1 of 4 stars; one submission).

Allele frequency attached by ClinVar (database versions not stated): TOPMed below 0.00001; gnomAD 0.00001.
gnomAD v4.1: 1 of 1,578,994 alleles (0.000063%); highest among the groups gnomAD compares: Non-Finnish European, 0.000086%; no homozygotes.

Submission:

GeneDx
Classification: Uncertain significance. Last evaluated: 2023-01-30. Review status: criteria provided, single submitter. Criteria: GeneDx Variant Classification Process June 2021. Collection method: clinical testing. Allele origin: germline. Affected: yes.
Comment: Not observed at significant frequency in large population cohorts (gnomAD); In silico analysis supports that this missense variant does not alter protein structure/function; Has not been previously published as pathogenic or benign to our knowledge